The following is an entry in ClinVar:

NM_001395426.1(PDE4DIP):c.3931G>A (p.Ala1311Thr)

Gene: PDE4DIP (phosphodiesterase 4D interacting protein; plus strand). Cytogenetic location: 1q21.2.
Variant type: single nucleotide variant.
Coding change: c.3931G>A on transcript NM_001395426.1 (MANE Select); coding-DNA position 3931, G replaced by A.
Protein change: p.Ala1311Thr; replaces alanine 1311 with threonine.
Molecular consequence: missense variant.
Genome position (GRCh38, 1-based): chr1:149,003,009, G>A. VCF-style: chr1-149003009-G-A. GRCh37 (hg19) VCF-style: chr1-144881463-C-T.
Other names: c.3601G>A, p.Ala1201Thr (NM_001395311.1, NM_001395312.1, NM_001395314.1 and 4 more transcripts); c.3820G>A, p.Ala1274Thr (NM_001395313.1); c.3733G>A, p.Ala1245Thr (NM_014644.7, NM_001198834.5); c.4222G>A, p.Ala1408Thr (NM_001395301.1, NM_001350520.2, NM_001395297.1 and 1 more transcripts); c.4033G>A, p.Ala1345Thr (NM_001395302.1, NM_001395300.1); c.3814G>A, p.Ala1272Thr (NM_001395303.1, NM_001395307.1); c.3931G>A, p.Ala1311Thr (NM_001395304.1, NM_001395305.1, NM_001395308.1 and 2 more transcripts); c.3892G>A, p.Ala1298Thr (NM_001395309.1); and 1 more; short protein forms A1201T, A1245T, A1272T, A1274T, A1298T, A1311T, A1345T, A1382T.
Identifiers: ClinVar variation 3024762 (VCV003024762.22), dbSNP rs147815016, ClinGen allele CA1046282.

ClinVar aggregate classification (germline): Likely benign (1 of 4 stars; one submission).

Allele frequency attached by ClinVar (database versions not stated): ESP Exome Variant Server 0.00377; ExAC 0.00414; gnomAD exomes 0.00482; TOPMed 0.00569; 1000 Genomes Project 30x 0.00593.

Submission:

CeGaT Center for Human Genetics Tuebingen
Classification: Likely benign. Last evaluated: 2024-09-01. Review status: criteria provided, single submitter. Criteria: CeGaT Center For Human Genetics Tuebingen Variant Classification Criteria Version 2. Collection method: clinical testing. Allele origin: germline. Affected: yes. Observed: 2 variant alleles.
Comment: PDE4DIP: BS2